The following is an entry in ClinVar:

NM_001371986.1(UNC80):c.3467T>G (p.Phe1156Cys)

Gene: UNC80 (unc-80 subunit of NALCN channel complex; plus strand). Cytogenetic location: 2q34.
Variant type: single nucleotide variant.
Coding change: c.3467T>G on transcript NM_001371986.1 (MANE Select); coding-DNA position 3467, T replaced by G.
Protein change: p.Phe1156Cys; replaces phenylalanine 1156 with cysteine.
Molecular consequence: missense variant.
Genome position (GRCh38, 1-based): chr2:209,849,463, T>G. VCF-style: chr2-209849463-T-G. GRCh37 (hg19) VCF-style: chr2-210714187-T-G.
Other names: c.3473T>G, p.Phe1158Cys (NM_032504.2); c.3458T>G, p.Phe1153Cys (NM_182587.4); c.3473T>G (NM_032504.1); short protein forms F1158C, F1153C, F1156C.
Identifiers: ClinVar variation 1915813 (VCV001915813.5), dbSNP rs1490443462, ClinGen allele CA350734718.

ClinVar aggregate classification (germline): Uncertain significance. Review status: criteria provided, multiple submitters, no conflicts (2 of 4 stars). 2 submissions from 2 submitters: Uncertain significance (2). Last evaluated 2025-06-20.

Allele frequency attached by ClinVar (database versions not stated): TOPMed below 0.00001; gnomAD 0.00001.
gnomAD v4.1: 1 of 1,550,740 alleles (0.000064%); highest among the groups gnomAD compares: Non-Finnish European, 0.000087%; no homozygotes.

Submissions (2):

GeneDx
Classification: Uncertain significance. Last evaluated: 2025-06-20. Review status: criteria provided, single submitter. Criteria: GeneDx Variant Classification Process June 2021. Collection method: clinical testing. Allele origin: germline. Affected: yes.
Comment: Not observed at significant frequency in large population cohorts (gnomAD); In silico analysis suggests that this missense variant does not alter protein structure/function; Has not been previously published as pathogenic or benign to our knowledge

Labcorp Genetics (formerly Invitae), Labcorp
Classification: Uncertain significance. Last evaluated: 2022-04-24. Review status: criteria provided, single submitter. Criteria: Invitae Variant Classification Sherloc (09022015). Collection method: clinical testing. Allele origin: germline.
Comment: This variant has not been reported in the literature in individuals affected with UNC80-related conditions. In summary, the available evidence is currently insufficient to determine the role of this variant in disease. Therefore, it has been classified as a Variant of Uncertain Significance. Algorithms developed to predict the effect of missense changes on protein structure and function are either unavailable or do not agree on the potential impact of this missense change (SIFT: "Not Available"; PolyPhen-2: "Possibly Damaging"; Align-GVGD: "Not Available"). This variant is not present in population databases (gnomAD no frequency). This sequence change replaces phenylalanine, which is neutral and non-polar, with cysteine, which is neutral and slightly polar, at codon 1158 of the UNC80 protein (p.Phe1158Cys).